The following is an entry in ClinVar:

ClinVar aggregate classification (germline): Conflicting classifications of pathogenicity. Review status: criteria provided, conflicting classifications (1 of 4 stars). 3 submissions from 3 submitters: Likely pathogenic (1); Uncertain significance (2). Last evaluated 2025-10-14.

Conditions:
Familial adenomatous polyposis 2. Also called: FAP type 2; MUTYH Polyposis; COLORECTAL ADENOMATOUS POLYPOSIS, AUTOSOMAL RECESSIVE; ADENOMAS, MULTIPLE COLORECTAL, AUTOSOMAL RECESSIVE; MUTYH-associated polyposis; MUTYH-related attenuated familial adenomatous polyposis. Identifiers: Orphanet 220460, Orphanet 247798, MedGen C3272841, MONDO:0012041, OMIM 608456.
Hereditary cancer-predisposing syndrome. Also called: Tumor predisposition; Hereditary Cancer Syndrome; Hereditary neoplastic syndrome; Neoplastic Syndromes, Hereditary. Identifiers: Orphanet 140162, MedGen C0027672, MeSH D009386, MONDO:0015356.

Allele frequency attached by ClinVar (database versions not stated): gnomAD exomes below 0.00001.
gnomAD v4.1: 1 of 1,614,114 alleles (0.000062%); highest among the groups gnomAD compares: Non-Finnish European, 0.000085%; no homozygotes.

Submissions (3):

Labcorp Genetics (formerly Invitae), Labcorp
Classification: Uncertain significance for Familial adenomatous polyposis 2. Last evaluated: 2025-10-14. Review status: criteria provided, single submitter. Criteria: Invitae Variant Classification Sherloc (09022015). Collection method: clinical testing. Allele origin: germline.
Comment: This sequence change replaces alanine, which is neutral and non-polar, with aspartic acid, which is acidic and polar, at codon 163 of the MUTYH protein (p.Ala163Asp). This variant is not present in population databases (gnomAD no frequency). This variant has not been reported in the literature in individuals affected with MUTYH-related conditions. ClinVar contains an entry for this variant (Variation ID: 825259). An algorithm developed to predict the effect of missense changes on protein structure and function (PolyPhen-2) suggests that this variant is likely to be disruptive. In summary, the available evidence is currently insufficient to determine the role of this variant in disease. Therefore, it has been classified as a Variant of Uncertain Significance.

Ambry Genetics
Classification: Likely pathogenic for Hereditary cancer-predisposing syndrome. Last evaluated: 2025-08-15. Review status: criteria provided, single submitter. Criteria: Ambry Variant Classification Scheme 2023. Collection method: clinical testing. Allele origin: germline.
Comment: The p.A163D variant (also known as c.488C>A), located in coding exon 6 of the MUTYH gene, results from a C to A substitution at nucleotide position 488. The alanine at codon 163 is replaced by aspartic acid, an amino acid with dissimilar properties. In a massively parallel cell-based functional assay testing 7,8-dihydro-8- oxoguanine:adenine (8OG:A) repair activity, a byproduct of oxidative damage, this variant was reported to be non-functional (Hemker SL et al. Am J Hum Genet. Published online July 29, 2025. DOI: 10.1016/j.ajhg.2025.07.005). Based on internal structural analysis, A163D is deleterious (Ambry internal data). This amino acid position is highly conserved in available vertebrate species. In addition, this alteration is predicted to be deleterious by in silico analysis. Based on the majority of available evidence to date, this variant is likely to be pathogenic.

All of Us Research Program, National Institutes of Health
Classification: Uncertain significance for Familial adenomatous polyposis 2. Last evaluated: 2023-06-08. Review status: criteria provided, single submitter. Criteria: ACMG Guidelines, 2015. Collection method: clinical testing. Allele origin: germline. Inheritance: Autosomal recessive inheritance. Observed: 1 variant allele, 1 heterozygote.
Comment: This missense variant replaces alanine with aspartic acid at codon 163 of the MUTYH protein. Computational prediction suggests that this variant may have deleterious impact on protein structure and function (internally defined REVEL score threshold >= 0.7, PMID: 27666373). To our knowledge, functional studies have not been reported for this variant. This variant has not been reported in individuals affected with hereditary cancer in the literature. This variant has not been identified in the general population by the Genome Aggregation Database (gnomAD). The available evidence is insufficient to determine the role of this variant in disease conclusively. Therefore, this variant is classified as a Variant of Uncertain Significance.

This study involves interpretation of variants in research participants for the purpose of population health screening. Participant phenotype was not available at the time of variant classification. Additional details can be found in publication PMID: 35346344, PMCID: PMC8962531

NM_001048174.2(MUTYH):c.404C>A (p.Ala135Asp)

Gene: MUTYH (mutY DNA glycosylase; minus strand). Cytogenetic location: 1p34.1.
Variant type: single nucleotide variant.
Coding change: c.404C>A on transcript NM_001048174.2 (MANE Select); coding-DNA position 404, C replaced by A.
Protein change: p.Ala135Asp; replaces alanine 135 with aspartic acid.
Molecular consequence: missense variant. On other transcripts: non-coding transcript variant (2).
Genome position (GRCh38, 1-based): chr1:45,332,934, G>T on the plus strand (C>A on the coding strand, the complement: MUTYH is on the minus strand). VCF-style: chr1-45332934-G-T. GRCh37 (hg19) VCF-style: chr1-45798606-G-T.
Other names: c.404C>A, p.Ala135Asp (NM_001048171.2, NM_001048173.2, NM_001293195.2); c.407C>A, p.Ala136Asp (NM_001048172.2); c.488C>A, p.Ala163Asp (NM_001128425.2); c.449C>A, p.Ala150Asp (NM_001293190.2); c.437C>A, p.Ala146Asp (NM_001293191.2); c.128C>A, p.Ala43Asp (NM_001293192.2, NM_001293196.2); c.59C>A, p.Ala20Asp (NM_001350650.2, NM_001350651.2); c.479C>A, p.Ala160Asp (NM_012222.3); short protein forms A20D, A160D, A163D, A135D, A146D, A136D, A150D, A43D.
Identifiers: ClinVar variation 825259 (VCV000825259.15), dbSNP rs1570427705, ClinGen allele CA340135946.
Genomic context (GRCh38, chr1:45,332,934, plus strand): 5'-TCCCTCTATTGTTCCTATTTCCCCTACCCTAGGGTGGCTCTCACCTCCAGGGAAGCACTG[G>T]CCAGGTCCTGCAGTGTAGGCCACTTCTATAGCCACAGGCAGGCAGAAAGAGACAAGGTCA-3'
Protein context (NP_001041639.1, residues 125-145): MQKWPTLQDL[Ala135Asp]SASLEEVNQL